The following is an entry in ClinVar:

ClinVar aggregate classification (germline): Pathogenic (1 of 4 stars; one submission).

Conditions:
Hypohidrotic X-linked ectodermal dysplasia (XHED). Also called: Ectodermal Dysplasia 1, Anhidrotic; ECTODERMAL DYSPLASIA, HYPOHIDROTIC, 1; CST SYNDROME; ECTODERMAL DYSPLASIA 1; Christ-Siemans-Touraine syndrome; Anhidrotic ectodermal dysplasia X-linked. Identifiers: Orphanet 181, Orphanet 238468, MedGen C0162359, MONDO:0010585, OMIM 305100.

Submission:

Labcorp Genetics (formerly Invitae), Labcorp
Classification: Pathogenic for Hypohidrotic X-linked ectodermal dysplasia. Last evaluated: 2019-04-25. Review status: criteria provided, single submitter. Criteria: Invitae Variant Classification Sherloc (09022015). Collection method: clinical testing. Allele origin: germline.
Comment: For these reasons, this variant has been classified as Pathogenic. Loss-of-function variants in EDA are known to be pathogenic (PMID: 9683615). This variant has not been reported in the literature in individuals with EDA-related conditions. ClinVar contains an entry for this variant (Variation ID: 458658). This variant is not present in population databases (ExAC no frequency). This sequence change creates a premature translational stop signal (p.Pro188Serfs*52) in the EDA gene. It is expected to result in an absent or disrupted protein product.

Literature cited by the submitters: PubMed 9683615.

NM_001399.5(EDA):c.560dup (p.Pro188fs)

Gene: EDA (ectodysplasin A; plus strand). Cytogenetic location: Xq13.1.
Variant type: Duplication.
Coding change: c.560dup on transcript NM_001399.5 (MANE Select); coding-DNA position 560, one base duplicated (C; older notation c.560dupC).
Protein change: p.Pro188fs; shifts the reading frame from proline 188.
Molecular consequence: frameshift variant.
Genome position (GRCh38, 1-based): chrX:70,027,890, C duplicated; the last of 3 consecutive C bases (chrX:70,027,888-70,027,890); duplicating any one gives the same sequence. VCF-style (leftmost placement, unchanged base first): chrX-70027887-G-GC. GRCh37 (hg19) VCF-style: chrX-69247737-G-GC.
Other names: c.560dup, p.Pro188fs (NM_001005609.2, NM_001005612.3); c.560dupC (NM_001399.4); short protein forms P188fs.
Identifiers: ClinVar variation 458658 (VCV000458658.9), dbSNP rs1556098384, ClinGen allele CA658659003.
Genomic context (GRCh38, chrX:70,027,887, plus strand): 5'-AAAAAAGTAACACTGAATCCTATTTTTCAGGAAAGAAAGCAGGACCTCCTGGACCCAATG[G>GC]CCCTCCAGGACCCCCAGGACCTCCAGGACCCCAGGGACCCCCAGGAATTCCAGGGATTCC-3'